The following is an entry in ClinVar:

ClinVar aggregate classification (germline): Uncertain significance (1 of 4 stars; one submission).

Submission:

GeneDx
Classification: Uncertain significance. Last evaluated: 2024-04-30. Review status: criteria provided, single submitter. Criteria: GeneDx Variant Classification Process June 2021. Collection method: clinical testing. Allele origin: germline. Affected: yes.
Comment: Not observed at significant frequency in large population cohorts (gnomAD); In silico analysis supports that this missense variant has a deleterious effect on protein structure/function; Has not been previously published as pathogenic or benign to our knowledge

NM_032217.5(ANKRD17):c.3220G>C (p.Asp1074His)

Gene: ANKRD17 (ankyrin repeat domain 17; minus strand). Cytogenetic location: 4q13.3.
Variant type: single nucleotide variant.
Coding change: c.3220G>C on transcript NM_032217.5 (MANE Select); coding-DNA position 3220, G replaced by C.
Protein change: p.Asp1074His; replaces aspartic acid 1074 with histidine.
Molecular consequence: missense variant.
Genome position (GRCh38, 1-based): chr4:73,135,131, C>G on the plus strand (G>C on the coding strand, the complement: ANKRD17 is on the minus strand). VCF-style: chr4-73135131-C-G. GRCh37 (hg19) VCF-style: chr4-74000848-C-G.
Other names: c.2881G>C, p.Asp961His (NM_001286771.3); c.3217G>C, p.Asp1073His (NM_015574.2); c.2467G>C, p.Asp823His (NM_198889.3); short protein forms D1073H, D1074H, D823H, D961H.
Identifiers: ClinVar variation 3373318 (VCV003373318.1).